The following is an entry in ClinVar:

ClinVar aggregate classification (germline): Pathogenic (1 of 4 stars; one submission).

Conditions:
Joubert syndrome. Also called: CEREBELLOPARENCHYMAL DISORDER IV; JOUBERT-BOLTSHAUSER SYNDROME; Familial aplasia of the vermis. Identifiers: Orphanet 475, MedGen C5979921, MONDO:0018772.

Submission:

Labcorp Genetics (formerly Invitae), Labcorp
Classification: Pathogenic for Joubert syndrome. Last evaluated: 2023-10-13. Review status: criteria provided, single submitter. Criteria: Invitae Variant Classification Sherloc (09022015). Collection method: clinical testing. Allele origin: germline.
Comment: This sequence change creates a premature translational stop signal (p.Pro560Thrfs*5) in the AHI1 gene. It is expected to result in an absent or disrupted protein product. Loss-of-function variants in AHI1 are known to be pathogenic (PMID: 15322546, 16453322, 28442542, 29186038). This variant is not present in population databases (gnomAD no frequency). This variant has not been reported in the literature in individuals affected with AHI1-related conditions. ClinVar contains an entry for this variant (Variation ID: 461742). For these reasons, this variant has been classified as Pathogenic.

Literature cited by the submitters: PubMed 15322546; PubMed 16453322; PubMed 28442542; PubMed 29186038.

NM_001134831.2(AHI1):c.1677dup (p.Pro560fs)

Gene: AHI1 (Abelson helper integration site 1; minus strand). Cytogenetic location: 6q23.3.
Variant type: Duplication.
Coding change: c.1677dup on transcript NM_001134831.2 (MANE Select); coding-DNA position 1677, one base duplicated (A; older notation c.1677dupA).
Protein change: p.Pro560fs; shifts the reading frame from proline 560.
Molecular consequence: frameshift variant.
Genome position (GRCh38, 1-based): chr6:135,447,110, T duplicated on the plus strand (A on the coding strand, the reverse complement: AHI1 is on the minus strand); the first of 3 consecutive T bases (chr6:135,447,110-135,447,112); duplicating any one gives the same sequence. VCF-style (leftmost placement, unchanged base first): chr6-135447109-G-GT. GRCh37 (hg19) VCF-style: chr6-135768247-G-GT.
Other names: c.1677dup, p.Pro560fs (NM_001134830.2, NM_001134832.2, NM_001350503.2 and 2 more transcripts); c.1677dupA (NM_017651.4); short protein forms P560fs.
Identifiers: ClinVar variation 461742 (VCV000461742.7), dbSNP rs1554350503, ClinGen allele CA658657627.